The following is an entry in ClinVar:

ClinVar aggregate classification (germline): Uncertain significance (1 of 4 stars; one submission).

Conditions:
PRPH2-related disorder. Also called: PRPH2-related condition; PRPH2-related disorders. Identifiers: MedGen CN239395.

Submission:

Labcorp Genetics (formerly Invitae), Labcorp
Classification: Uncertain significance for PRPH2-related disorder. Last evaluated: 2022-08-09. Review status: criteria provided, single submitter. Criteria: Invitae Variant Classification Sherloc (09022015). Collection method: clinical testing. Allele origin: germline.
Comment: This sequence change replaces valine, which is neutral and non-polar, with alanine, which is neutral and non-polar, at codon 268 of the PRPH2 protein (p.Val268Ala). Advanced modeling of protein sequence and biophysical properties (such as structural, functional, and spatial information, amino acid conservation, physicochemical variation, residue mobility, and thermodynamic stability) performed at Invitae indicates that this missense variant is not expected to disrupt PRPH2 protein function. In summary, the available evidence is currently insufficient to determine the role of this variant in disease. Therefore, it has been classified as a Variant of Uncertain Significance. This variant has not been reported in the literature in individuals affected with PRPH2-related conditions. This variant is not present in population databases (gnomAD no frequency).

NM_000322.5(PRPH2):c.803T>C (p.Val268Ala)

Gene: PRPH2 (peripherin 2; minus strand). Cytogenetic location: 6p21.1.
Variant type: single nucleotide variant.
Coding change: c.803T>C on transcript NM_000322.5 (MANE Select); coding-DNA position 803, T replaced by C.
Protein change: p.Val268Ala; replaces valine 268 with alanine.
Molecular consequence: missense variant.
Genome position (GRCh38, 1-based): chr6:42,704,390, A>G on the plus strand (T>C on the coding strand, the complement: PRPH2 is on the minus strand). VCF-style: chr6-42704390-A-G. GRCh37 (hg19) VCF-style: chr6-42672128-A-G.
Other names: short protein forms V268A.
Identifiers: ClinVar variation 2152910 (VCV002152910.4), dbSNP rs1384576468, ClinGen allele CA364134677.